The following is an entry in ClinVar:

ClinVar aggregate classification (germline): Uncertain significance. Review status: criteria provided, single submitter (1 of 4 stars). 2 submissions from 2 submitters: Uncertain significance (1). 1 of the submissions does not count toward it. Last evaluated 2022-05-25.

Conditions:
Autosomal dominant epilepsy.
Developmental and epileptic encephalopathy, 33 (DEE33). Also called: Epileptic encephalopathy, early infantile, 33. Identifiers: Orphanet 442835, MedGen C4225337, MONDO:0014625, OMIM 616409.

Submissions (2):

Labcorp Genetics (formerly Invitae), Labcorp
Classification: Uncertain significance for Developmental and epileptic encephalopathy, 33. Last evaluated: 2022-05-25. Review status: criteria provided, single submitter. Criteria: Invitae Variant Classification Sherloc (09022015). Collection method: clinical testing. Allele origin: germline.
Comment: In summary, the available evidence is currently insufficient to determine the role of this variant in disease. Therefore, it has been classified as a Variant of Uncertain Significance. Advanced modeling of protein sequence and biophysical properties (such as structural, functional, and spatial information, amino acid conservation, physicochemical variation, residue mobility, and thermodynamic stability) performed at Invitae indicates that this missense variant is expected to disrupt EEF1A2 protein function. This variant has not been reported in the literature in individuals affected with EEF1A2-related conditions. This variant is not present in population databases (gnomAD no frequency). This sequence change replaces arginine, which is basic and polar, with histidine, which is basic and polar, at codon 166 of the EEF1A2 protein (p.Arg166His).

Rare Disease Center, Seoul National University Hospital
Classification: Likely pathogenic. Last evaluated: 2023-03-23. Review status: no assertion criteria provided. Collection method: research. Allele origin: unknown. Affected: yes. Not counted in ClinVar's aggregate classification.

NM_001958.5(EEF1A2):c.497G>A (p.Arg166His)

Genes: EEF1A2 (eukaryotic translation elongation factor 1 alpha 2; minus strand), LOC132090595 (Neanderthal introgressed variant-containing enhancer experimental_60987; plus strand). Cytogenetic location: 20q13.33.
Variant type: single nucleotide variant.
Coding change: c.497G>A on transcript NM_001958.5 (MANE Select); coding-DNA position 497, G replaced by A.
Protein change: p.Arg166His; replaces arginine 166 with histidine.
Molecular consequence: missense variant.
Genome position (GRCh38, 1-based): chr20:63,494,929, C>T on the plus strand (G>A on the coding strand, the complement: EEF1A2 is on the minus strand). VCF-style: chr20-63494929-C-T. GRCh37 (hg19) VCF-style: chr20-62126282-C-T.
Other names: c.497G>A (NM_001958.3); short protein forms R166H.
Identifiers: ClinVar variation 2131434 (VCV002131434.5), dbSNP rs2516783188, ClinGen allele CA409649613.
Genomic context (GRCh38, chr20:63,494,929, plus strand): 5'-GCCGGGTTGTAGCCGATCTTCTTGATGTAGGCGCTGACTTCCTTGACGATCTCGTCGTAG[C>T]GCTTCTCGCTGTAGGCCGGCTCTGTGGAGTCCATTTTGTTCACGCCCACGATGAGCTGCT-3'
Protein context (NP_001949.1, residues 156-176): DSTEPAYSEK[Arg166His]YDEIVKEVSA